The following is an entry in ClinVar:

NM_001130438.3(SPTAN1):c.1690C>T (p.Arg564Cys)

Gene: SPTAN1 (spectrin alpha, non-erythrocytic 1; plus strand). Cytogenetic location: 9q34.11.
Variant type: single nucleotide variant.
Coding change: c.1690C>T on transcript NM_001130438.3 (MANE Select); coding-DNA position 1690, C replaced by T.
Protein change: p.Arg564Cys; replaces arginine 564 with cysteine.
Molecular consequence: missense variant.
Genome position (GRCh38, 1-based): chr9:128,582,733, C>T. VCF-style: chr9-128582733-C-T. GRCh37 (hg19) VCF-style: chr9-131345012-C-T.
Other names: c.1690C>T, p.Arg564Cys (NM_001195532.2, NM_001363759.2, NM_001363765.2 and 1 more transcripts); short protein forms R564C.
Identifiers: ClinVar variation 461215 (VCV000461215.12), dbSNP rs759822213, ClinGen allele CA5264490.
Genomic context (GRCh38, chr9:128,582,733, plus strand): 5'-CAGGGGATCCTTGTCTTTCAGCTGTTGAGCCGCCGCAATGCCCTTCACGAGAGAGCCATG[C>T]GTCGCCGGGCCCAGCTAGCCGATTCTTTCCATCTGCAGCAGTTTTTCCGTGATTCTGATG-3'
Protein context (NP_001123910.1, residues 554-574): RRNALHERAM[Arg564Cys]RRAQLADSFH

ClinVar aggregate classification (germline): Conflicting classifications of pathogenicity. Review status: criteria provided, conflicting classifications (1 of 4 stars). 2 submissions from 2 submitters: Uncertain significance (1); Benign (1). Last evaluated 2025-07-30.

Conditions:
Early-infantile DEE. Also called: Early infantile epileptic encephalopathy; Ohtahara syndrome; Early infantile epileptic encephalopathy with suppression bursts. Identifiers: Orphanet 1934, MedGen C0393706, MONDO:0800491.

Allele frequency attached by ClinVar (database versions not stated): gnomAD 0.00001; TOPMed 0.00001.
gnomAD v4.1: 20 of 1,613,784 alleles (0.0012%); highest among the groups gnomAD compares: Admixed American, 0.01%; no homozygotes.

Submissions (2):

Labcorp Genetics (formerly Invitae), Labcorp
Classification: Benign for Early-infantile DEE. Last evaluated: 2025-07-30. Review status: criteria provided, single submitter. Criteria: Invitae Variant Classification Sherloc (09022015). Collection method: clinical testing. Allele origin: germline.

Women's Health and Genetics/Laboratory Corporation of America, LabCorp
Classification: Uncertain significance. Last evaluated: 2024-10-09. Review status: criteria provided, single submitter. Criteria: LabCorp Variant Classification Summary - May 2015. Collection method: clinical testing. Allele origin: germline.
Comment: Variant summary: SPTAN1 c.1690C>T (p.Arg564Cys) results in a non-conservative amino acid change in the encoded protein sequence. Three of five in-silico tools predict a damaging effect of the variant on protein function. The variant allele was found at a frequency of 3.2e-05 in 251230 control chromosomes (gnomAD). The available data on variant occurrences in the general population are insufficient to allow any conclusion about variant significance. To our knowledge, no occurrence of c.1690C>T in individuals affected with Epileptic Encephalopathy, Early Infantile, 5 and no experimental evidence demonstrating its impact on protein function have been reported. ClinVar contains an entry for this variant (Variation ID: 461215). Based on the evidence outlined above, the variant was classified as uncertain significance.